The following is an entry in ClinVar:

ClinVar aggregate classification (germline): Uncertain significance. Review status: criteria provided, multiple submitters, no conflicts (2 of 4 stars). 2 submissions from 2 submitters: Uncertain significance (2). Last evaluated 2024-01-22.

Conditions:
Menkes kinky-hair syndrome (MNK). Also called: Menkes Disease; Copper transport disease; Classic Menkes Disease. Identifiers: Orphanet 565, MedGen C0022716, MONDO:0010651, OMIM 309400.
Cutis laxa, X-linked (OHS). Also called: EDS IX; Occipital horn syndrome. Identifiers: Orphanet 198, MedGen C0268353, MONDO:0010572, OMIM 304150.
X-linked distal spinal muscular atrophy type 3. Also called: ATP7A-Related Distal Motor Neuropathy; NEURONOPATHY, DISTAL HEREDITARY MOTOR, X-LINKED; NEUROPATHY, DISTAL HEREDITARY MOTOR, X-LINKED; SPINAL MUSCULAR ATROPHY, DISTAL, X-LINKED RECESSIVE. Identifiers: Orphanet 139557, MedGen C1845359, MONDO:0010338, OMIM 300489.

Submissions (2):

Labcorp Genetics (formerly Invitae), Labcorp
Classification: Uncertain significance for X-linked distal spinal muscular atrophy type 3; Cutis laxa, X-linked; Menkes kinky-hair syndrome. Last evaluated: 2024-01-22. Review status: criteria provided, single submitter. Criteria: Invitae Variant Classification Sherloc (09022015). Collection method: clinical testing. Allele origin: germline.
Comment: This variant, c.2019_2021dup, results in the insertion of 1 amino acid(s) of the ATP7A protein (p.Val673_Met674insIle), but otherwise preserves the integrity of the reading frame. This variant is not present in population databases (gnomAD no frequency). This variant has not been reported in the literature in individuals affected with ATP7A-related conditions. ClinVar contains an entry for this variant (Variation ID: 569819). Experimental studies and prediction algorithms are not available or were not evaluated, and the functional significance of this variant is currently unknown. In summary, the available evidence is currently insufficient to determine the role of this variant in disease. Therefore, it has been classified as a Variant of Uncertain Significance.

GeneDx
Classification: Uncertain significance. Last evaluated: 2023-03-21. Review status: criteria provided, single submitter. Criteria: GeneDx Variant Classification Process June 2021. Collection method: clinical testing. Allele origin: germline. Affected: yes.
Comment: Not observed at significant frequency in large population cohorts (gnomAD); In-frame insertion of 1 amino acids in a non-repeat region; Has not been previously published as pathogenic or benign to our knowledge

NM_000052.7(ATP7A):c.2019_2021dup (p.Val673_Met674insIle)

Gene: ATP7A (ATPase copper transporting alpha; plus strand). Cytogenetic location: Xq21.1.
Variant type: Duplication.
Coding change: c.2019_2021dup on transcript NM_000052.7 (MANE Select); coding-DNA positions 2019 to 2021, 3 bases duplicated (TAT; older notation c.2019_2021dupTAT).
Protein change: p.Val673_Met674insIle.
Molecular consequence: inframe insertion.
Genome position (GRCh38, 1-based): chrX:78,011,521-78,011,523, TAT duplicated; duplicating any 3 consecutive bases within chrX:78,011,520-78,011,523 gives the same sequence; the c. name uses the placement nearest the transcript's 3' end. VCF-style (leftmost placement, unchanged base first): chrX-78011519-G-GTTA. GRCh37 (hg19) VCF-style: chrX-77267016-G-GTTA.
Other names: c.2019_2021dup (NM_000052.4); c.2019_2021dup, p.Val673_Met674insIle (NM_001282224.2); c.2019_2021dupTAT (NM_000052.6).
Identifiers: ClinVar variation 569819 (VCV000569819.9), dbSNP rs1569549885, ClinGen allele CA891844257.
Genomic context (GRCh38, chrX:78,011,519, plus strand): 5'-TCTTTTCTTGTGAGTCTGTTTTTCTGTATTCCTGTAATGGGGCTGATGATATATATGATG[G>GTTA]TTATGGACCACCACTTTGCAACTCTTCACCATAATCAAAACATGAGTAAAGAAGAAATGA-3'